The following is an entry in ClinVar:

NM_001370466.1(NOD2):c.1177C>T (p.Arg393Cys)

Gene: NOD2 (nucleotide binding oligomerization domain containing 2; plus strand). Cytogenetic location: 16q12.1.
Variant type: single nucleotide variant.
Coding change: c.1177C>T on transcript NM_001370466.1 (MANE Select); coding-DNA position 1177, C replaced by T.
Protein change: p.Arg393Cys; replaces arginine 393 with cysteine.
Molecular consequence: missense variant. On other transcripts: non-coding transcript variant (1).
Genome position (GRCh38, 1-based): chr16:50,711,169, C>T. VCF-style: chr16-50711169-C-T. GRCh37 (hg19) VCF-style: chr16-50745080-C-T.
Other names: c.1258C>T (LRG_177t1); c.1177C>T, p.Arg393Cys (NM_001293557.2); c.1258C>T, p.Arg420Cys (NM_022162.3); short protein forms R420C, R393C.
Identifiers: ClinVar variation 546414 (VCV000546414.8), dbSNP rs367883043, ClinGen allele CA8051496.
Genomic context (GRCh38, chr16:50,711,169, plus strand): 5'-CCCACCTCTGTCCAGACCCTGCTCTTCAACCTTCTGCAGGGCAACCTGCTGAAGAATGCC[C>T]GCAAGGTGGTGACCAGCCGTCCGGCCGCTGTGTCGGCGTTCCTCAGGAAGTACATCCGCA-3'
Protein context (NP_001357395.1, residues 383-403): LLQGNLLKNA[Arg393Cys]KVVTSRPAAV

ClinVar aggregate classification (germline): Uncertain significance. Review status: criteria provided, multiple submitters, no conflicts (2 of 4 stars). 3 submissions from 3 submitters: Uncertain significance (3). Last evaluated 2025-09-29.

Conditions:
Blau syndrome (BLAUS). Also called: ARTHROCUTANEOUVEAL GRANULOMATOSIS; GRANULOMATOSIS, FAMILIAL JUVENILE SYSTEMIC; GRANULOMATOSIS, FAMILIAL, BLAU TYPE; GRANULOMATOUS INFLAMMATORY ARTHRITIS, DERMATITIS, AND UVEITIS, FAMILIAL; JABS SYNDROME. Identifiers: Orphanet 90340, MedGen C5201146, MONDO:0008523, OMIM 186580.
Regional enteritis. Also called: Enteritis, Granulomatous. Identifiers: MedGen C0678202, MeSH D003424.
Inborn genetic diseases. Identifiers: MedGen C0950123, MeSH D030342.

Allele frequency attached by ClinVar (database versions not stated): gnomAD 0.00001; gnomAD exomes 0.00003; ExAC 0.00004; TOPMed 0.00006.
gnomAD v4.1: 51 of 1,614,030 alleles (0.0032%); highest among the groups gnomAD compares: African/African-American, 0.015%; no homozygotes.

Submissions (3):

Labcorp Genetics (formerly Invitae), Labcorp
Classification: Uncertain significance for Regional enteritis; Blau syndrome. Last evaluated: 2025-09-29. Review status: criteria provided, single submitter. Criteria: Invitae Variant Classification Sherloc (09022015). Collection method: clinical testing. Allele origin: germline.
Comment: This sequence change replaces arginine, which is basic and polar, with cysteine, which is neutral and slightly polar, at codon 420 of the NOD2 protein (p.Arg420Cys). This variant is present in population databases (rs367883043, gnomAD 0.006%). This variant has not been reported in the literature in individuals affected with NOD2-related conditions. ClinVar contains an entry for this variant (Variation ID: 546414). Invitae Evidence Modeling of protein sequence and biophysical properties (such as structural, functional, and spatial information, amino acid conservation, physicochemical variation, residue mobility, and thermodynamic stability) indicates that this missense variant is not expected to disrupt NOD2 protein function with a negative predictive value of 95%. In summary, the available evidence is currently insufficient to determine the role of this variant in disease. Therefore, it has been classified as a Variant of Uncertain Significance.

Ambry Genetics
Classification: Uncertain significance for Inborn genetic diseases. Last evaluated: 2022-11-18. Review status: criteria provided, single submitter. Criteria: Ambry Variant Classification Scheme 2023. Collection method: clinical testing. Allele origin: germline.

GeneDx
Classification: Uncertain significance. Last evaluated: 2018-05-14. Review status: criteria provided, single submitter. Criteria: GeneDx Variant Classification (06012015). Collection method: clinical testing. Allele origin: germline. Affected: yes.
Comment: The R420C variant in the NOD2 gene has not been reported previously as a pathogenic variant, nor as a benign variant, to our knowledge. This variant is observed in 2/33,580 alleles (0.006%) from individuals of Latino background, and 7/246,044 global alleles (0.003%) with no homozygous control individuals reported, in large population cohorts (Lek et al., 2016). The R420C variant is a non-conservative amino acid substitution, which is likely to impact secondary protein structure as these residues differ in polarity, charge, size and/or other properties. In-silico analyses, including protein predictors and evolutionary conservation, support a deleterious effect. We interpret R420C as a variant of uncertain significance.